The following is an entry in ClinVar:

ClinVar aggregate classification (germline): Uncertain significance (1 of 4 stars; one submission).

Submission:

Labcorp Genetics (formerly Invitae), Labcorp
Classification: Uncertain significance. Last evaluated: 2022-06-15. Review status: criteria provided, single submitter. Criteria: Invitae Variant Classification Sherloc (09022015). Collection method: clinical testing. Allele origin: germline.
Comment: In summary, the available evidence is currently insufficient to determine the role of this variant in disease. Therefore, it has been classified as a Variant of Uncertain Significance. Algorithms developed to predict the effect of missense changes on protein structure and function output the following: SIFT: "Tolerated"; PolyPhen-2: "Probably Damaging"; Align-GVGD: "Class C0". The leucine amino acid residue is found in multiple mammalian species, which suggests that this missense change does not adversely affect protein function. This variant has not been reported in the literature in individuals affected with ZNF469-related conditions. This variant is not present in population databases (gnomAD no frequency). This sequence change replaces proline, which is neutral and non-polar, with leucine, which is neutral and non-polar, at codon 1161 of the ZNF469 protein (p.Pro1161Leu).

NM_001367624.2(ZNF469):c.3566C>T (p.Pro1189Leu)

Gene: ZNF469 (zinc finger protein 469; plus strand). Cytogenetic location: 16q24.2.
Variant type: single nucleotide variant.
Coding change: c.3566C>T on transcript NM_001367624.2 (MANE Select); coding-DNA position 3566, C replaced by T.
Protein change: p.Pro1189Leu; replaces proline 1189 with leucine.
Molecular consequence: missense variant.
Genome position (GRCh38, 1-based): chr16:88,431,036, C>T. VCF-style: chr16-88431036-C-T. GRCh37 (hg19) VCF-style: chr16-88497444-C-T.
Other names: short protein forms P1189L.
Identifiers: ClinVar variation 2007293 (VCV002007293.4), dbSNP rs2507583968, ClinGen allele CA397085126.